The following is an entry in ClinVar:

ClinVar aggregate classification (germline): Conflicting classifications of pathogenicity. Review status: criteria provided, conflicting classifications (1 of 4 stars). 4 submissions from 4 submitters: Uncertain significance (1); Benign (1); Likely benign (1). 1 of the submissions does not count toward it. Last evaluated 2025-09-09.

Conditions:
Autosomal recessive nonsyndromic hearing loss 24. Identifiers: Orphanet 90636, MedGen C1970239, MONDO:0012602, OMIM 611022.
RDX-related disorder. Also called: RDX-related condition.

Allele frequency attached by ClinVar (database versions not stated): gnomAD 0.00008 and 0.00011; gnomAD exomes 0.00008 and 0.00036; TOPMed 0.00017; ExAC 0.00026; 1000 Genomes Project 30x 0.00109; 1000 Genomes Project 0.00120.
gnomAD v4.1: 137 of 1,613,840 alleles (0.0085%); highest among the groups gnomAD compares: East Asian, 0.24%; no homozygotes.

Submissions (4):

Labcorp Genetics (formerly Invitae), Labcorp
Classification: Benign. Last evaluated: 2025-09-09. Review status: criteria provided, single submitter. Criteria: Invitae Variant Classification Sherloc (09022015). Collection method: clinical testing. Allele origin: germline.

GeneDx
Classification: Likely benign. Last evaluated: 2021-02-26. Review status: criteria provided, single submitter. Criteria: GeneDx Variant Classification Process June 2021. Collection method: clinical testing. Allele origin: germline. Affected: yes.

Illumina Laboratory Services, Illumina
Classification: Uncertain significance for Autosomal recessive nonsyndromic hearing loss 24. Last evaluated: 2018-01-12. Review status: criteria provided, single submitter. Criteria: ICSL Variant Classification Criteria 13 December 2019. Collection method: clinical testing. Allele origin: germline.

PreventionGenetics, part of Exact Sciences
Classification: Likely benign for RDX-related condition. Last evaluated: 2022-10-24. Review status: no assertion criteria provided. Collection method: clinical testing. Allele origin: germline. Not counted in ClinVar's aggregate classification.
Comment: This variant is classified as likely benign based on ACMG/AMP sequence variant interpretation guidelines (Richards et al. 2015 PMID: 25741868, with internal and published modifications).

NM_002906.4(RDX):c.1530C>T (p.Ser510=)

Gene: RDX (radixin; minus strand). Cytogenetic location: 11q22.3.
Variant type: single nucleotide variant.
Coding change: c.1530C>T on transcript NM_002906.4 (MANE Select); coding-DNA position 1530, C replaced by T.
Protein change: p.Ser510=; no amino-acid change (serine 510 retained).
Molecular consequence: synonymous variant. On other transcripts: intron variant (1).
Genome position (GRCh38, 1-based): chr11:110,233,294, G>A on the plus strand (C>T on the coding strand, the complement: RDX is on the minus strand). VCF-style: chr11-110233294-G-A. GRCh37 (hg19) VCF-style: chr11-110104019-G-A.
Other names: c.1530C>T, p.Ser510= (NM_001260492.2, NM_001260493.2); c.1122C>T, p.Ser374= (NM_001260494.2); c.489C>T, p.Ser163= (NM_001260495.2); c.405-1290C>T (NM_001260496.2).
Identifiers: ClinVar variation 302342 (VCV000302342.18), dbSNP rs192239366, ClinGen allele CA6269956.